The following is an entry in ClinVar:

ClinVar aggregate classification (germline): Uncertain significance (1 of 4 stars; one submission).

Allele frequency attached by ClinVar (database versions not stated): TOPMed below 0.00001; gnomAD 0.00001.
gnomAD v4.1: 2 of 1,613,948 alleles (0.00012%); highest among the groups gnomAD compares: Non-Finnish European, 0.00017%; no homozygotes.

Submission:

Labcorp Genetics (formerly Invitae), Labcorp
Classification: Uncertain significance. Last evaluated: 2022-04-25. Review status: criteria provided, single submitter. Criteria: Invitae Variant Classification Sherloc (09022015). Collection method: clinical testing. Allele origin: germline.
Comment: This sequence change replaces asparagine, which is neutral and polar, with lysine, which is basic and polar, at codon 229 of the FN1 protein (p.Asn229Lys). In summary, the available evidence is currently insufficient to determine the role of this variant in disease. Therefore, it has been classified as a Variant of Uncertain Significance. Algorithms developed to predict the effect of sequence changes on RNA splicing suggest that this variant may disrupt the consensus splice site. Algorithms developed to predict the effect of missense changes on protein structure and function are either unavailable or do not agree on the potential impact of this missense change (SIFT: "Not Available"; PolyPhen-2: "Possibly Damaging"; Align-GVGD: "Not Available"). This variant has not been reported in the literature in individuals affected with FN1-related conditions. This variant is not present in population databases (gnomAD no frequency).

NM_212482.4(FN1):c.687T>G (p.Asn229Lys)

Gene: FN1 (fibronectin 1; minus strand). Cytogenetic location: 2q35.
Variant type: single nucleotide variant.
Coding change: c.687T>G on transcript NM_212482.4 (MANE Select); coding-DNA position 687, T replaced by G.
Protein change: p.Asn229Lys; replaces asparagine 229 with lysine.
Molecular consequence: missense variant.
Genome position (GRCh38, 1-based): chr2:215,428,337, A>C on the plus strand (T>G on the coding strand, the complement: FN1 is on the minus strand). VCF-style: chr2-215428337-A-C. GRCh37 (hg19) VCF-style: chr2-216293060-A-C.
Other names: c.687T>G, p.Asn229Lys (NM_001306129.2, NM_001306130.2, NM_001306131.2 and 14 more transcripts); short protein forms N229K.
Identifiers: ClinVar variation 2096643 (VCV002096643.4), dbSNP rs1163154235, ClinGen allele CA350474437.